The following is an entry in ClinVar:

NM_001145678.3(KIAA0825):c.1627C>T (p.Pro543Ser)

Gene: KIAA0825 (KIAA0825; minus strand). Cytogenetic location: 5q15.
Variant type: single nucleotide variant.
Coding change: c.1627C>T on transcript NM_001145678.3 (MANE Select); coding-DNA position 1627, C replaced by T.
Protein change: p.Pro543Ser; replaces proline 543 with serine.
Molecular consequence: missense variant. On other transcripts: non-coding transcript variant (1).
Genome position (GRCh38, 1-based): chr5:94,471,560, G>A on the plus strand (C>T on the coding strand, the complement: KIAA0825 is on the minus strand). VCF-style: chr5-94471560-G-A. GRCh37 (hg19) VCF-style: chr5-93807265-G-A.
Other names: c.1627C>T, p.Pro543Ser (NM_001385712.1, NM_001385713.1, NM_001388325.1); short protein forms P543S.
Identifiers: ClinVar variation 2212402 (VCV002212402.5), dbSNP rs79996980, ClinGen allele CA3344135.

ClinVar aggregate classification (germline): Conflicting classifications of pathogenicity. Review status: criteria provided, conflicting classifications (1 of 4 stars). 3 submissions from 3 submitters: Uncertain significance (1); Likely benign (1). 1 of the submissions does not count toward it. Last evaluated 2024-11-08.

Conditions:
KIAA0825-related disorder. Also called: KIAA0825-related condition.

Allele frequency attached by ClinVar (database versions not stated): 1000 Genomes Project 0.00120; ExAC 0.00153; 1000 Genomes Project 30x 0.00172; gnomAD 0.00202; TOPMed 0.00234; ESP Exome Variant Server 0.00263.
gnomAD v4.1: 3,862 of 1,551,938 alleles (0.25%); highest among the groups gnomAD compares: Admixed American, 0.38%; 8 homozygotes.

Submissions (3):

Blueprint Genetics
Classification: Likely benign. Last evaluated: 2024-11-08. Review status: criteria provided, single submitter. Criteria: ACMG Guidelines, 2015. Collection method: clinical testing. Allele origin: germline.

Ambry Genetics
Classification: Uncertain significance. Last evaluated: 2021-07-09. Review status: criteria provided, single submitter. Criteria: Ambry Variant Classification Scheme 2023. Collection method: clinical testing. Allele origin: germline.

PreventionGenetics, part of Exact Sciences
Classification: Likely benign for KIAA0825-related condition. Last evaluated: 2022-04-01. Review status: no assertion criteria provided. Collection method: clinical testing. Allele origin: germline. Not counted in ClinVar's aggregate classification.
Comment: This variant is classified as likely benign based on ACMG/AMP sequence variant interpretation guidelines (Richards et al. 2015 PMID: 25741868, with internal and published modifications).